The following is an entry in ClinVar:

ClinVar aggregate classification (germline): Uncertain significance (1 of 4 stars; one submission).

Allele frequency attached by ClinVar (database versions not stated): gnomAD exomes 0.00001; gnomAD 0.00001; TOPMed 0.00001.
gnomAD v4.1: 9 of 1,613,880 alleles (0.00056%); highest among the groups gnomAD compares: Admixed American, 0.0033%; no homozygotes.

Submission:

Labcorp Genetics (formerly Invitae), Labcorp
Classification: Uncertain significance. Last evaluated: 2025-09-22. Review status: criteria provided, single submitter. Criteria: Invitae Variant Classification Sherloc (09022015). Collection method: clinical testing. Allele origin: germline.
Comment: This sequence change replaces arginine, which is basic and polar, with cysteine, which is neutral and slightly polar, at codon 183 of the TFRC protein (p.Arg183Cys). This variant is present in population databases (no rsID available, gnomAD 0.01%). This variant has not been reported in the literature in individuals affected with TFRC-related conditions. ClinVar contains an entry for this variant (Variation ID: 2910180). Invitae Evidence Modeling of protein sequence and biophysical properties (such as structural, functional, and spatial information, amino acid conservation, physicochemical variation, residue mobility, and thermodynamic stability) indicates that this missense variant is not expected to disrupt TFRC protein function with a negative predictive value of 80%. In summary, the available evidence is currently insufficient to determine the role of this variant in disease. Therefore, it has been classified as a Variant of Uncertain Significance.

NM_001128148.3(TFRC):c.547C>T (p.Arg183Cys)

Gene: TFRC (transferrin receptor; minus strand). Cytogenetic location: 3q29.
Variant type: single nucleotide variant.
Coding change: c.547C>T on transcript NM_001128148.3 (MANE Select); coding-DNA position 547, C replaced by T.
Protein change: p.Arg183Cys; replaces arginine 183 with cysteine.
Molecular consequence: missense variant. On other transcripts: 5 prime UTR variant (1).
Genome position (GRCh38, 1-based): chr3:196,072,040, G>A on the plus strand (C>T on the coding strand, the complement: TFRC is on the minus strand). VCF-style: chr3-196072040-G-A. GRCh37 (hg19) VCF-style: chr3-195798911-G-A.
Other names: c.304C>T, p.Arg102Cys (NM_001313965.2); c.-300C>T (NM_001313966.2); c.547C>T, p.Arg183Cys (NM_003234.4); short protein forms R183C, R102C.
Identifiers: ClinVar variation 2910180 (VCV002910180.3), dbSNP rs867740041, ClinGen allele CA90758933.